The following is an entry in ClinVar:

ClinVar aggregate classification (germline): Pathogenic/Likely pathogenic. Review status: criteria provided, multiple submitters, no conflicts (2 of 4 stars). 6 submissions from 6 submitters: Pathogenic (5); Likely pathogenic (1). Last evaluated 2026-02-24.

Conditions:
Fanconi anemia complementation group A (FANCA). Also called: Fanconi anemia, group A; FANCA-Related Fanconi Anemia. Identifiers: Orphanet 84, MedGen C3469521, MONDO:0009215, OMIM 227650.
Fanconi anemia (FA). Also called: Fanconi's anemia. Identifiers: Orphanet 84, MedGen C0015625, MeSH D005199, MONDO:0019391.
FANCA-related disorders.

Allele frequency attached by ClinVar (database versions not stated): ExAC 0.00004; gnomAD 0.00004; gnomAD exomes 0.00004 and 0.00009.
gnomAD v4.1: 56 of 1,555,122 alleles (0.0036%); highest among the groups gnomAD compares: Non-Finnish European, 0.0012%; no homozygotes.

Submissions (6):

Department of Clinical Genetics, Copenhagen University Hospital, Rigshospitalet
Classification: Pathogenic for Fanconi anemia. Last evaluated: 2026-02-24. Review status: criteria provided, single submitter. Criteria: ACMG Guidelines, 2015. Collection method: clinical testing. Allele origin: germline.
Comment: The following ACMG criteria has been used: PVS1 (skipping of exon 34 i functional domain; several pathogenic missense variants are reported in exon 34); PM3 (PMID:24989076;PMID:29098742)

Natera, Inc.
Classification: Pathogenic for Fanconi anemia. Last evaluated: 2025-07-05. Review status: criteria provided, single submitter. Criteria: Natera Variant Classification Schema (03/2026). Collection method: clinical testing. Allele origin: germline.
Comment: The c.3349-1G>A variant in FANCA is a canonical splice acceptor site variant predicted to affect pre-mRNA splicing, which may result in an abnormal transcript and altered protein product. This variant is expected to result in nonsense mediated decay, truncation, or a dysfunctional protein product. This variant is rare in the general population with a frequency below the threshold expected for the associated phenotype(s). This variant has been observed in one or more individuals affected with the associated recessive disease, as either homozygous or compound heterozygous with a second variant (PMID: 27418648, 29098742). Additionally, this variant has been observed to segregate in affected family members (PMID: 24989076). Functional studies show that this variant may disrupt protein function (PMID: 24989076). Given the available evidence, this variant is classified as Pathogenic.

Blueprint Genetics
Classification: Pathogenic for FANCA-related disorders. Last evaluated: 2024-09-19. Review status: criteria provided, single submitter. Criteria: ACMG Guidelines, 2015. Collection method: clinical testing. Allele origin: germline. Affected: yes. Observed: 4 variant alleles.

Baylor Genetics
Classification: Pathogenic for Fanconi anemia complementation group A. Last evaluated: 2024-01-15. Review status: criteria provided, single submitter. Criteria: ACMG Guidelines, 2015. Collection method: clinical testing. Allele origin: unknown.

Labcorp Genetics (formerly Invitae), Labcorp
Classification: Pathogenic for Fanconi anemia. Last evaluated: 2023-03-18. Review status: criteria provided, single submitter. Criteria: Invitae Variant Classification Sherloc (09022015). Collection method: clinical testing. Allele origin: germline.
Comment: For these reasons, this variant has been classified as Pathogenic. Studies have shown that disruption of this splice site results in skipping of exon 34, but is expected to preserve the integrity of the reading-frame (PMID: 24989076). ClinVar contains an entry for this variant (Variation ID: 623165). This variant is also known as c.3348-1G>A. Disruption of this splice site has been observed in individual(s) with Fanconi anemia (PMID: 24989076, 29098742). It has also been observed to segregate with disease in related individuals. This variant is present in population databases (rs769862233, gnomAD 0.07%). This sequence change affects an acceptor splice site in intron 33 of the FANCA gene. RNA analysis indicates that disruption of this splice site induces altered splicing and likely results in a shortened protein product.

Molecular Diagnostics Laboratory, M Health Fairview: University of Minnesota
Classification: Likely pathogenic for Fanconi anemia complementation group A. Last evaluated: 2016-10-17. Review status: criteria provided, single submitter. Criteria: ACMG Guidelines, 2015. Collection method: clinical testing. Allele origin: germline. Affected: yes. Observed: 1 variant allele.

Literature cited by the submitters: PubMed 24989076 (cited by 3 submitters); PubMed 29098742 (cited by 3 submitters); PubMed 27418648 (cited by Natera, Inc.).

NM_000135.4(FANCA):c.3349-1G>A

Gene: FANCA (FA complementation group A; minus strand). Cytogenetic location: 16q24.3.
Variant type: single nucleotide variant.
Coding change: c.3349-1G>A on transcript NM_000135.4 (MANE Select); the canonical splice acceptor site of the intron before coding-DNA position 3349, G replaced by A.
Molecular consequence: splice acceptor variant.
Genome position (GRCh38, 1-based): chr16:89,746,891, C>T on the plus strand (G>A on the coding strand, the complement: FANCA is on the minus strand). VCF-style: chr16-89746891-C-T. GRCh37 (hg19) VCF-style: chr16-89813299-C-T.
Other names: c.3349-1G>A (NM_000135.3, NM_001286167.3).
Identifiers: ClinVar variation 623165 (VCV000623165.18), dbSNP rs769862233, ClinGen allele CA8251201.